The following is an entry in ClinVar:

NM_001371623.1(TCOF1):c.2245C>T (p.Pro749Ser)

Gene: TCOF1 (treacle ribosome biogenesis factor 1; plus strand). Cytogenetic location: 5q32.
Variant type: single nucleotide variant.
Coding change: c.2245C>T on transcript NM_001371623.1 (MANE Select); coding-DNA position 2245, C replaced by T.
Protein change: p.Pro749Ser; replaces proline 749 with serine.
Molecular consequence: missense variant.
Genome position (GRCh38, 1-based): chr5:150,376,525, C>T. VCF-style: chr5-150376525-C-T. GRCh37 (hg19) VCF-style: chr5-149756088-C-T.
Other names: p.Pro749Ser; c.2014C>T, p.Pro672Ser (NM_000356.4, NM_001135245.2); c.2245C>T, p.Pro749Ser (NM_001008657.3, NM_001135243.2, NM_001135244.2 and 1 more transcripts); short protein forms P672S, P749S.
Identifiers: ClinVar variation 130568 (VCV000130568.47), dbSNP rs73270846, ClinGen allele CA155673.
Genomic context (GRCh38, chr5:150,376,525, plus strand): 5'-GTGCCTGTCAAGGGGTCCTTGGGGCAAGGGACTGCTCCAGTACTCCCTGGGAAGACGGGG[C>T]CTACAGTCACCCAGGTGAAAGCTGAAAAGCAGGAAGACTCTGAGAGCAGTGAGGAGGAAT-3'
Protein context (NP_001358552.1, residues 739-759): TAPVLPGKTG[Pro749Ser]TVTQVKAEKQ

ClinVar aggregate classification (germline): Benign. Review status: criteria provided, multiple submitters, no conflicts (2 of 4 stars). 7 submissions from 7 submitters: Benign (6). 1 of the submissions does not count toward it. Last evaluated 2026-02-01.

Conditions:
Treacher Collins syndrome 1 (TCS1). Also called: TCOF1-Related Treacher Collins Syndrome. Identifiers: Orphanet 861, MedGen CN315775, MONDO:0007944, OMIM 154500.

Allele frequency attached by ClinVar (database versions not stated): gnomAD exomes 0.00242; ExAC 0.00399; gnomAD 0.00914 and 0.00993; 1000 Genomes Project 0.00919; 1000 Genomes Project 30x 0.00999; ESP Exome Variant Server 0.01030; TOPMed 0.01078.
gnomAD v4.1: 2,937 of 1,611,454 alleles (0.18%); highest among the groups gnomAD compares: African/African-American, 3.1%; 44 homozygotes.

Submissions (7):

Labcorp Genetics (formerly Invitae), Labcorp
Classification: Benign for Treacher Collins syndrome 1. Last evaluated: 2026-02-01. Review status: criteria provided, single submitter. Criteria: Invitae Variant Classification Sherloc (09022015). Collection method: clinical testing. Allele origin: germline.

Mayo Clinic Laboratories, Mayo Clinic
Classification: Benign. Last evaluated: 2024-10-23. Review status: criteria provided, single submitter. Criteria: ACMG Guidelines, 2015. Collection method: clinical testing. Allele origin: germline. Observed: 1 variant allele.
Comment: BA1, BS2

CeGaT Center for Human Genetics Tuebingen
Classification: Benign. Last evaluated: 2023-09-01. Review status: criteria provided, single submitter. Criteria: CeGaT Center For Human Genetics Tuebingen Variant Classification Criteria Version 2. Collection method: clinical testing. Allele origin: germline. Affected: yes. Observed: 2 variant alleles.
Comment: TCOF1: BP4, BS1, BS2

GeneDx
Classification: Benign. Last evaluated: 2020-02-20. Review status: criteria provided, single submitter. Criteria: GeneDx Variant Classification Process June 2021. Collection method: clinical testing. Allele origin: germline. Affected: yes.
Comment: This variant is associated with the following publications: (PMID: 28065470)

Eurofins Ntd Llc (ga)
Classification: Benign. Last evaluated: 2017-09-01. Review status: criteria provided, single submitter. Criteria: EGL Classification Definitions 2015. Collection method: clinical testing. Allele origin: germline. Observed: 1 variant allele, 1 heterozygote.

PreventionGenetics, part of Exact Sciences
Classification: Benign. Review status: criteria provided, single submitter. Criteria: ACMG Guidelines, 2015. Collection method: clinical testing. Allele origin: germline.

Genetic Services Laboratory, University of Chicago
Classification: Likely benign for AllHighlyPenetrant. Review status: no assertion criteria provided. Collection method: clinical testing. Allele origin: germline. Inheritance: Autosomal dominant inheritance. Not counted in ClinVar's aggregate classification.
Comment: Likely benign based on allele frequency in 1000 Genomes Project or ESP global frequency and its presence in a patient with a rare or unrelated disease phenotype. NOT Sanger confirmed.